The following is an entry in ClinVar:

NM_000048.4(ASL):c.1154G>T (p.Arg385Leu)

Gene: ASL (argininosuccinate lyase; plus strand). Cytogenetic location: 7q11.21.
Variant type: single nucleotide variant.
Coding change: c.1154G>T on transcript NM_000048.4 (MANE Select); coding-DNA position 1154, G replaced by T.
Protein change: p.Arg385Leu; replaces arginine 385 with leucine.
Molecular consequence: missense variant.
Genome position (GRCh38, 1-based): chr7:66,092,567, G>T. VCF-style: chr7-66092567-G-T. GRCh37 (hg19) VCF-style: chr7-65557554-G-T.
Other names: c.1154G>T (NM_000048.3); c.1154G>T, p.Arg385Leu (NM_001024943.2); c.1094G>T, p.Arg365Leu (NM_001024944.2); c.1076G>T, p.Arg359Leu (NM_001024946.2); short protein forms R365L, R385L, R359L.
Identifiers: ClinVar variation 2136546 (VCV002136546.6), dbSNP rs746120802, ClinGen allele CA367651056.

ClinVar aggregate classification (germline): Conflicting classifications of pathogenicity. Review status: criteria provided, conflicting classifications (1 of 4 stars). 3 submissions from 3 submitters: Likely pathogenic (2); Uncertain significance (1). Last evaluated 2025-11-26.

Conditions:
Argininosuccinate lyase deficiency. Also called: ARGININOSUCCINIC ACID LYASE DEFICIENCY; ASL DEFICIENCY; Argininosuccinic aciduria. Identifiers: Orphanet 23, MedGen C0268547, MONDO:0008815, OMIM 207900, HP:0025630.

Submissions (3):

Myriad Genetics, Inc.
Classification: Uncertain significance for Argininosuccinate lyase deficiency. Last evaluated: 2025-11-26. Review status: criteria provided, single submitter. Criteria: Myriad Autosomal Dominant, Autosomal Recessive and X-Linked Classification Criteria (2023). Collection method: clinical testing. Allele origin: unknown.
Comment: NM_001024943.1(ASL):c.1154G>T(R385L) is a missense variant classified as a variant of uncertain significance in the context of argininosuccinic aciduria. R385L has been observed in a case with relevant disease (PMID: 24166829). Relevant functional assessments of this variant are available in the literature (PMID: 25778938, 26745957). R385L has not been observed in referenced population frequency databases. In summary, there is insufficient evidence to classify NM_001024943.1(ASL):c.1154G>T(R385L) as pathogenic or benign. Please note: this variant was assessed in the context of healthy population screening.

Natera, Inc.
Classification: Likely pathogenic for Argininosuccinate lyase deficiency. Last evaluated: 2024-07-10. Review status: criteria provided, single submitter. Criteria: Natera Variant Classification Schema (03/2026). Collection method: clinical testing. Allele origin: germline.
Comment: The c.1154G>T variant in ASL is a missense variant predicted to cause substitution of arginine to leucine at amino acid 385. This variant is rare in the general population with a frequency below the threshold expected for the associated phenotype(s). This variant has been observed in one or more individuals affected with the associated recessive disease, as either homozygous or compound heterozygous with a second variant (PMID: 24166829, 31056765). Functional studies show that this variant may disrupt protein function (PMID: 25778938). A different variant at the same position has been determined to be Pathogenic or Likely Pathogenic. Computational prediction algorithms indicate this variant is likely to affect gene or protein function. Given the available evidence, this variant is classified as Likely Pathogenic.

Labcorp Genetics (formerly Invitae), Labcorp
Classification: Likely pathogenic for Argininosuccinate lyase deficiency. Last evaluated: 2022-02-06. Review status: criteria provided, single submitter. Criteria: Invitae Variant Classification Sherloc (09022015). Collection method: clinical testing. Allele origin: germline.
Comment: In summary, the currently available evidence indicates that the variant is pathogenic, but additional data are needed to prove that conclusively. Therefore, this variant has been classified as Likely Pathogenic. This variant disrupts the p.Arg385 amino acid residue in ASL. Other variant(s) that disrupt this residue have been determined to be pathogenic (PMID: 24166829, 31943503; Invitae). This suggests that this residue is clinically significant, and that variants that disrupt this residue are likely to be disease-causing. Experimental studies have shown that this missense change affects ASL function (PMID: 25778938, 26745957). Advanced modeling of protein sequence and biophysical properties (such as structural, functional, and spatial information, amino acid conservation, physicochemical variation, residue mobility, and thermodynamic stability) performed at Invitae indicates that this missense variant is expected to disrupt ASL protein function. This missense change has been observed in individual(s) with argininosuccinate lyase deficiency (PMID: 24166829). This variant is not present in population databases (gnomAD no frequency). This sequence change replaces arginine, which is basic and polar, with leucine, which is neutral and non-polar, at codon 385 of the ASL protein (p.Arg385Leu).

Literature cited by the submitters: PubMed 24166829 (cited by 3 submitters); PubMed 25778938 (cited by 3 submitters); PubMed 26745957 (cited by Myriad Genetics, Inc. and Labcorp Genetics (formerly Invitae), Labcorp); PubMed 31056765 (cited by Natera, Inc.); PubMed 31943503 (cited by Labcorp Genetics (formerly Invitae), Labcorp).